The following is an entry in ClinVar:

NM_001159699.2(FHL1):c.534C>T (p.Cys178=)

Gene: FHL1 (four and a half LIM domains 1; plus strand). Cytogenetic location: Xq26.3.
Variant type: single nucleotide variant.
Coding change: c.534C>T on transcript NM_001159699.2 (MANE Select); coding-DNA position 534, C replaced by T.
Protein change: p.Cys178=; no amino-acid change (cysteine 178 retained).
Molecular consequence: synonymous variant. On other transcripts: non-coding transcript variant (1).
Genome position (GRCh38, 1-based): chrX:136,207,946, C>T. VCF-style: chrX-136207946-C-T. GRCh37 (hg19) VCF-style: chrX-135290105-C-T.
Other names: c.486C>T, p.Cys162= (NM_001159700.2, NM_001159702.3, NM_001159703.2 and 9 more transcripts); c.573C>T, p.Cys191= (NM_001159701.2); c.534C>T, p.Cys178= (NM_001330659.2); c.486C>T (NM_001159702.2).
Identifiers: ClinVar variation 239010 (VCV000239010.13), dbSNP rs377693754, ClinGen allele CA10525023.

ClinVar aggregate classification (germline): Likely benign. Review status: criteria provided, multiple submitters, no conflicts (2 of 4 stars). 3 submissions from 3 submitters: Likely benign (2). 1 of the submissions does not count toward it. Last evaluated 2026-03-21.

Conditions:
Cardiovascular phenotype. Identifiers: MedGen CN230736.
FHL1-related disorder. Also called: FHL1-related condition; FHL1-related disorders.
X-linked myopathy with postural muscle atrophy. Also called: FHL1-Related Emery-Dreifuss Muscular Dystrophy, X-Linked. Identifiers: Orphanet 178461, MedGen C2678055, MONDO:0010401, OMIM 300696.

Allele frequency attached by ClinVar (database versions not stated): gnomAD exomes 0.00001 and 0.00002; ESP Exome Variant Server 0.00009; ExAC 0.00001; gnomAD 0.00002; TOPMed 0.00002.
gnomAD v4.1: 29 of 1,211,158 alleles (0.0024%); highest among the groups gnomAD compares: East Asian, 0.003%; no homozygotes.

Submissions (3):

Ambry Genetics
Classification: Likely benign for Cardiovascular phenotype. Last evaluated: 2026-03-21. Review status: criteria provided, single submitter. Criteria: Ambry Variant Classification Scheme 2023. Collection method: clinical testing. Allele origin: germline.

Labcorp Genetics (formerly Invitae), Labcorp
Classification: Likely benign for X-linked myopathy with postural muscle atrophy. Last evaluated: 2025-08-05. Review status: criteria provided, single submitter. Criteria: Invitae Variant Classification Sherloc (09022015). Collection method: clinical testing. Allele origin: germline.

PreventionGenetics, part of Exact Sciences
Classification: Likely benign for FHL1-related condition. Last evaluated: 2020-08-13. Review status: no assertion criteria provided. Collection method: clinical testing. Allele origin: germline. Not counted in ClinVar's aggregate classification.
Comment: This variant is classified as likely benign based on ACMG/AMP sequence variant interpretation guidelines (Richards et al. 2015 PMID: 25741868, with internal and published modifications).